The following is an entry in ClinVar:

ClinVar aggregate classification (germline): Conflicting classifications of pathogenicity. Review status: criteria provided, conflicting classifications (1 of 4 stars). 2 submissions from 2 submitters: Uncertain significance (1); Likely benign (1). Last evaluated 2025-08-29.

Conditions:
Birt-Hogg-Dube syndrome. Also called: Birt Hogg Dubé syndrome. Identifiers: Orphanet 122, MedGen C0346010, MONDO:0800444.
Hereditary cancer-predisposing syndrome. Also called: Neoplastic Syndromes, Hereditary; Tumor predisposition; Hereditary Cancer Syndrome; Hereditary neoplastic syndrome. Identifiers: Orphanet 140162, MedGen C0027672, MeSH D009386, MONDO:0015356.

Submissions (2):

Ambry Genetics
Classification: Likely benign for Hereditary cancer-predisposing syndrome. Last evaluated: 2025-08-29. Review status: criteria provided, single submitter. Criteria: Ambry Variant Classification Scheme 2023. Collection method: clinical testing. Allele origin: germline.

Labcorp Genetics (formerly Invitae), Labcorp
Classification: Uncertain significance for Birt-Hogg-Dube syndrome. Last evaluated: 2024-11-12. Review status: criteria provided, single submitter. Criteria: Invitae Variant Classification Sherloc (09022015). Collection method: clinical testing. Allele origin: germline.
Comment: This sequence change replaces threonine, which is neutral and polar, with alanine, which is neutral and non-polar, at codon 174 of the FLCN protein (p.Thr174Ala). This variant is not present in population databases (gnomAD no frequency). This variant has not been reported in the literature in individuals affected with FLCN-related conditions. Invitae Evidence Modeling of protein sequence and biophysical properties (such as structural, functional, and spatial information, amino acid conservation, physicochemical variation, residue mobility, and thermodynamic stability) indicates that this missense variant is not expected to disrupt FLCN protein function with a negative predictive value of 80%. In summary, the available evidence is currently insufficient to determine the role of this variant in disease. Therefore, it has been classified as a Variant of Uncertain Significance.

NM_144997.7(FLCN):c.520A>G (p.Thr174Ala)

Gene: FLCN (folliculin; minus strand). Cytogenetic location: 17p11.2.
Variant type: single nucleotide variant.
Coding change: c.520A>G on transcript NM_144997.7 (MANE Select); coding-DNA position 520, A replaced by G.
Protein change: p.Thr174Ala; replaces threonine 174 with alanine.
Molecular consequence: missense variant.
Genome position (GRCh38, 1-based): chr17:17,224,020, T>C on the plus strand (A>G on the coding strand, the complement: FLCN is on the minus strand). VCF-style: chr17-17224020-T-C. GRCh37 (hg19) VCF-style: chr17-17127334-T-C.
Other names: c.574A>G, p.Thr192Ala (NM_001353229.2); c.520A>G, p.Thr174Ala (NM_001353230.2, NM_001353231.2, NM_144606.7); short protein forms T174A, T192A.
Identifiers: ClinVar variation 3620967 (VCV003620967.3).
Genomic context (GRCh38, chr17:17,224,020, plus strand): 5'-GGACCTTCCCCAGCAGGAAGGGCCAGGAGTTGATGAGGTAGATCCGGTCCATCATGATGG[T>C]GATGATGCTGTACCAGCGCTGGAAGCCCCTGGCCAGGCTGTCCTTGATGAAGAAGGTGTG-3'
Protein context (NP_659434.2, residues 164-184): RGFQRWYSII[Thr174Ala]IMMDRIYLIN